The following is an entry in ClinVar:

ClinVar aggregate classification (germline): Uncertain significance (1 of 4 stars; one submission).

Submission:

Labcorp Genetics (formerly Invitae), Labcorp
Classification: Uncertain significance. Last evaluated: 2024-10-15. Review status: criteria provided, single submitter. Criteria: Invitae Variant Classification Sherloc (09022015). Collection method: clinical testing. Allele origin: germline.
Comment: This sequence change replaces proline, which is neutral and non-polar, with arginine, which is basic and polar, at codon 79 of the EYS protein (p.Pro79Arg). This variant is not present in population databases (gnomAD no frequency). This variant has not been reported in the literature in individuals affected with EYS-related conditions. ClinVar contains an entry for this variant (Variation ID: 2013070). Invitae Evidence Modeling of protein sequence and biophysical properties (such as structural, functional, and spatial information, amino acid conservation, physicochemical variation, residue mobility, and thermodynamic stability) indicates that this missense variant is not expected to disrupt EYS protein function with a negative predictive value of 80%. In summary, the available evidence is currently insufficient to determine the role of this variant in disease. Therefore, it has been classified as a Variant of Uncertain Significance.

NM_001142800.2(EYS):c.236C>G (p.Pro79Arg)

Gene: EYS (EGF-like photoreceptor maintenance factor; minus strand). Cytogenetic location: 6q12.
Variant type: single nucleotide variant.
Coding change: c.236C>G on transcript NM_001142800.2 (MANE Select); coding-DNA position 236, C replaced by G.
Protein change: p.Pro79Arg; replaces proline 79 with arginine.
Molecular consequence: missense variant.
Genome position (GRCh38, 1-based): chr6:65,495,175, G>C on the plus strand (C>G on the coding strand, the complement: EYS is on the minus strand). VCF-style: chr6-65495175-G-C. GRCh37 (hg19) VCF-style: chr6-66205068-G-C.
Other names: c.236C>G, p.Pro79Arg (NM_001142801.2, NM_001292009.2, NM_198283.2); short protein forms P79R.
Identifiers: ClinVar variation 2013070 (VCV002013070.4), dbSNP rs2533029634, ClinGen allele CA364790348.